The following is an entry in ClinVar:

ClinVar aggregate classification (germline): Uncertain significance (1 of 4 stars; one submission).

Conditions:
Autosomal recessive ataxia, Beauce type. Also called: SYNE1-Related Autosomal Recessive Cerebellar Ataxia; SYNE1 Deficiency; Spinocerebellar ataxia, autosomal recessive 8; ATAXIA, RECESSIVE, OF BEAUCE. Identifiers: Orphanet 88644, MedGen C1853116, MONDO:0012549, OMIM 610743.
Emery-Dreifuss muscular dystrophy 4, autosomal dominant (EDMD4). Also called: EMERY-DREIFUSS MUSCULAR DYSTROPHY 4 WITH VARIABLE FEATURES. Identifiers: Orphanet 261, MedGen C2751807, MONDO:0013071, OMIM 612998.

Submission:

Labcorp Genetics (formerly Invitae), Labcorp
Classification: Uncertain significance for Emery-Dreifuss muscular dystrophy 4, autosomal dominant; Autosomal recessive ataxia, Beauce type. Last evaluated: 2021-09-15. Review status: criteria provided, single submitter. Criteria: Invitae Variant Classification Sherloc (09022015). Collection method: clinical testing. Allele origin: germline.
Comment: This sequence change replaces tryptophan with cysteine at codon 2219 of the SYNE1 protein (p.Trp2219Cys). The tryptophan residue is highly conserved and there is a large physicochemical difference between tryptophan and cysteine. This variant is not present in population databases (ExAC no frequency). This variant has not been reported in the literature in individuals affected with SYNE1-related conditions. Algorithms developed to predict the effect of missense changes on protein structure and function (SIFT, PolyPhen-2, Align-GVGD) all suggest that this variant is likely to be disruptive. In summary, the available evidence is currently insufficient to determine the role of this variant in disease. Therefore, it has been classified as a Variant of Uncertain Significance.

NM_182961.4(SYNE1):c.6636G>T (p.Trp2212Cys)

Gene: SYNE1 (spectrin repeat containing nuclear envelope protein 1; minus strand). Cytogenetic location: 6q25.2.
Variant type: single nucleotide variant.
Coding change: c.6636G>T on transcript NM_182961.4 (MANE Select); coding-DNA position 6636, G replaced by T.
Protein change: p.Trp2212Cys; replaces tryptophan 2212 with cysteine.
Molecular consequence: missense variant.
Genome position (GRCh38, 1-based): chr6:152,407,101, C>A on the plus strand (G>T on the coding strand, the complement: SYNE1 is on the minus strand). VCF-style: chr6-152407101-C-A. GRCh37 (hg19) VCF-style: chr6-152728236-C-A.
Other names: c.6657G>T, p.Trp2219Cys (NM_033071.5); short protein forms W2212C, W2219C.
Identifiers: ClinVar variation 1351759 (VCV001351759.6), dbSNP rs2154165420, ClinGen allele CA366124048.